The following is an entry in ClinVar:

ClinVar aggregate classification (germline): Benign. Review status: reviewed by expert panel (3 of 4 stars). 17 submissions from 17 submitters: Benign (1). 16 of the submissions do not count toward it. Last evaluated 2015-01-12.

Conditions:
Breast-ovarian cancer, familial, susceptibility to, 1 (BROVCA1). Also called: BRCA1 Hereditary Breast and Ovarian Cancer; OVARIAN CANCER, SUSCEPTIBILITY TO. Identifiers: Orphanet 145, MedGen C2676676, MONDO:0011450, OMIM 604370. Disease mechanism: loss of function.
Familial cancer of breast. Also called: hereditary breast carcinoma; BREAST CANCER, FAMILIAL; Hereditary breast cancer. Identifiers: Orphanet 227535, MedGen C0346153, MONDO:0016419, OMIM 114480. Disease mechanism: loss of function.
Fanconi anemia, complementation group S (FANCS). Identifiers: MedGen C4554406, MONDO:0054748, OMIM 617883.
Pancreatic cancer, susceptibility to, 4. Identifiers: Orphanet 1333, MedGen C3280442, MONDO:0013685, OMIM 614320.
Hereditary cancer-predisposing syndrome. Also called: Hereditary Cancer Syndrome; Hereditary neoplastic syndrome; Neoplastic Syndromes, Hereditary; Tumor predisposition. Identifiers: Orphanet 140162, MedGen C0027672, MeSH D009386, MONDO:0015356.
Hereditary breast ovarian cancer syndrome. Also called: BRCA1- and BRCA2-Associated Hereditary Breast and Ovarian Cancer; Hereditary breast and ovarian cancer syndrome; Hereditary breast and ovarian cancer syndrome (HBOC); Breast and ovarian cancer; Hereditary breast and/or ovarian cancer syndrome; Hereditary breast and ovarian cancer. Identifiers: Orphanet 145, MedGen C0677776, MeSH D061325, MONDO:0003582. Disease mechanism: loss of function.

Allele frequency attached by ClinVar (database versions not stated): TOPMed 0.00049; 1000 Genomes Project 0.00220; gnomAD exomes 0.00077 and 0.00026; 1000 Genomes Project 30x 0.00172; gnomAD 0.00018 and 0.00035; ExAC 0.00077.
gnomAD v4.1: 448 of 1,594,272 alleles (0.028%); highest among the groups gnomAD compares: East Asian, 0.8%; no homozygotes.

Submissions (17):

Evidence-based Network for the Interpretation of Germline Mutant Alleles (ENIGMA)
Classification: Benign for Breast-ovarian cancer, familial 1. Last evaluated: 2015-01-12. Review status: reviewed by expert panel. Criteria: ENIGMA BRCA1/2 Classification Criteria (2015). Collection method: curation. Allele origin: germline.
Comment: Class 1 not pathogenic based on frequency >1% in an outbred sampleset. Frequency 0.01224 (Asian), derived from 1000 genomes (2012-04-30).

Labcorp Genetics (formerly Invitae), Labcorp
Classification: Benign for Hereditary breast ovarian cancer syndrome. Last evaluated: 2025-10-01. Review status: criteria provided, single submitter. Criteria: Invitae Variant Classification Sherloc (09022015). Collection method: clinical testing. Allele origin: germline. Not counted in ClinVar's aggregate classification.

Center for Genomic Medicine, Rigshospitalet, Copenhagen University Hospital
Classification: Benign. Last evaluated: 2025-03-04. Review status: criteria provided, single submitter. Criteria: ACMG Guidelines, 2015. Collection method: clinical testing. Allele origin: germline. Not counted in ClinVar's aggregate classification.

Fulgent Genetics
Classification: Benign for Familial cancer of breast; Breast-ovarian cancer, familial, susceptibility to, 1; Pancreatic cancer, susceptibility to, 4; Fanconi anemia, complementation group S. Last evaluated: 2022-04-21. Review status: criteria provided, single submitter. Criteria: ACMG Guidelines, 2015. Collection method: clinical testing. Allele origin: unknown. Not counted in ClinVar's aggregate classification.

Sema4
Classification: Benign for Hereditary cancer-predisposing syndrome. Last evaluated: 2020-11-30. Review status: criteria provided, single submitter. Criteria: Sema4 Curation Guidelines. Collection method: curation. Allele origin: germline. Not counted in ClinVar's aggregate classification.

GeneDx
Classification: Likely benign. Last evaluated: 2020-07-09. Review status: criteria provided, single submitter. Criteria: GeneDx Variant Classification Process June 2021. Collection method: clinical testing. Allele origin: germline. Affected: yes. Not counted in ClinVar's aggregate classification.
Comment: This variant is associated with the following publications: (PMID: 15168169, 18512148, 20104584, 24667779, 8595420, 22505045, 26332594)

Mendelics
Classification: Benign for Breast-ovarian cancer, familial, susceptibility to, 1. Last evaluated: 2019-05-28. Review status: criteria provided, single submitter. Criteria: Mendelics Assertion Criteria 2017. Collection method: clinical testing. Allele origin: unknown. Not counted in ClinVar's aggregate classification.

Laboratory for Molecular Medicine, Mass General Brigham Personalized Medicine
Classification: Benign. Last evaluated: 2016-03-29. Review status: criteria provided, single submitter. Criteria: LMM Criteria. Collection method: clinical testing. Allele origin: germline. Not counted in ClinVar's aggregate classification.
Comment: Variant identified in a genome or exome case(s) and assessed due to predicted null impact of the variant or pathogenic assertions in the literature or databases. Disclaimer: This variant has not undergone full assessment. The following are preliminary notes: ExAC: 0.9% (79/8420) East Asian chromosomes, 1 homozygote; ClinVar: 1 VUS, 1 LB

ARUP Laboratories, Molecular Genetics and Genomics, ARUP Laboratories
Classification: Benign. Last evaluated: 2016-01-26. Review status: criteria provided, single submitter. Criteria: ARUP Molecular Germline Variant Investigation Process. Collection method: clinical testing. Allele origin: germline. Not counted in ClinVar's aggregate classification.

Ambry Genetics
Classification: Benign for Hereditary cancer-predisposing syndrome. Last evaluated: 2015-03-18. Review status: criteria provided, single submitter. Criteria: Ambry Variant Classification Scheme 2023. Collection method: clinical testing. Allele origin: germline. Not counted in ClinVar's aggregate classification.

Color Diagnostics, LLC DBA Color Health
Classification: Benign for Hereditary cancer-predisposing syndrome. Last evaluated: 2015-02-23. Review status: criteria provided, single submitter. Criteria: ACMG Guidelines, 2015. Collection method: clinical testing. Allele origin: germline. Not counted in ClinVar's aggregate classification.

Counsyl
Classification: Likely benign for Breast-ovarian cancer, familial 1. Last evaluated: 2015-01-13. Review status: no assertion criteria provided. Collection method: literature only. Allele origin: unknown. Inheritance: Autosomal dominant inheritance. Not counted in ClinVar's aggregate classification.

Breast Cancer Information Core (BIC) (BRCA1)
Classification: Uncertain significance for Breast-ovarian cancer, familial 1. Last evaluated: 2006-07-19. Review status: no assertion criteria provided. Collection method: clinical testing. Allele origin: germline. Affected: yes. Observed: 2 variant alleles. Not counted in ClinVar's aggregate classification.

Clinical Genetics Laboratory, Department of Pathology, Netherlands Cancer Institute
Classification: Likely benign. Review status: no assertion criteria provided. Collection method: clinical testing. Allele origin: germline. Affected: yes. Study: VKGL Data-share Consensus. Not counted in ClinVar's aggregate classification.

Department of Pathology and Laboratory Medicine, Sinai Health System
Classification: Likely benign. Review status: no assertion criteria provided. Collection method: clinical testing. Allele origin: unknown. Affected: yes. Study: The Canadian Open Genetics Repository (COGR). Not counted in ClinVar's aggregate classification.
Comment: The BRCA1 c.5406+33A>T variant was identified in ClinVar (Benign, reviewed by expert panel. Classified as B by ENIGMA, Invitae, LMM Partners HealthCare, Color, ARUP laboratories. Classified as LB by COGR, Counsyl. VUS by BIC) and dbSNP (rs80358092). The BRCA1 c.5406+33A>T variant was identified in control databases in 206 of 281744 chromosomes (1 homozygous) at a frequency of 0.0007312, and was observed at the highest frequency in the East Asian population in 181 of 19914 chromosomes (freq: 0.009089) (Genome Aggregation Database March 6, 2019, v2.1.1). The variant occurs outside of the splicing consensus sequence at a nucleotide that is not conserved in mammals, and in silico or computational prediction software programs (Splice AI exome) do not predict a deleterious effect on splicing. In summary, based on the above information the clinical significance of this variant cannot be determined with certainty at this time although we would lean towards a more benign role for this variant. This variant is classified as likely benign.

Genome Diagnostics Laboratory, University Medical Center Utrecht
Classification: Likely benign. Review status: no assertion criteria provided. Collection method: clinical testing. Allele origin: germline. Affected: yes. Study: VKGL Data-share Consensus. Not counted in ClinVar's aggregate classification.

Joint Genome Diagnostic Labs from Nijmegen and Maastricht, Radboudumc and MUMC+
Classification: Benign. Review status: no assertion criteria provided. Collection method: clinical testing. Allele origin: germline. Affected: yes. Study: VKGL Data-share Consensus. Not counted in ClinVar's aggregate classification.

Literature cited by the submitters: PubMed 20104584 (cited by Counsyl); PubMed 22505045 (cited by Counsyl); PubMed 24667779 (cited by Counsyl); PubMed 8595420 (cited by Counsyl); PubMed 18512148 (cited by Counsyl); PubMed 15168169 (cited by Counsyl).

NM_007294.4(BRCA1):c.5406+33A>T

Gene: BRCA1 (BRCA1 DNA repair associated; minus strand). Cytogenetic location: 17q21.31.
Variant type: single nucleotide variant.
Coding change: c.5406+33A>T on transcript NM_007294.4 (MANE Select); 33 bases into the intron after coding-DNA position 5406, A replaced by T.
Molecular consequence: intron variant.
Genome position (GRCh38, 1-based): chr17:43,049,088, T>A on the plus strand (A>T on the coding strand, the complement: BRCA1 is on the minus strand). VCF-style: chr17-43049088-T-A. GRCh37 (hg19) VCF-style: chr17-41201105-T-A.
Other names: IVS22+33A>T; IVS 22+33A>T; c.1953+33A>T (NM_001408458.1, NM_001408461.1, NM_001408464.1 and 7 more transcripts); c.4515+33A>T (NM_001407967.1); c.5025+33A>T (NM_001407959.1); c.5139+33A>T (NM_001407931.1, NM_001407932.1, NM_001407928.1 and 4 more transcripts); c.5262+33A>T (NM_001407747.1, NM_001407745.1, NM_001407737.1 and 18 more transcripts); c.5022+33A>T (NM_001407962.1, NM_001407960.1); and 86 more.
Identifiers: ClinVar variation 55561 (VCV000055561.32), dbSNP rs80358092, ClinGen allele CA003555.
Genomic context (GRCh38, chr17:43,049,088, plus strand): 5'-AGTAGGGGCATCCATAGGGACTGACAGGTGCCAGTCTTGCTCACAGGAGAGAATATTGTG[T>A]CCTCCCTCTCTGACAGGGCACCCAATACTTACTGTGCCAAGGGTGAATGATGAAAGCTCC-3'